The following is an entry in ClinVar:

NM_020778.5(ALPK3):c.2444G>A (p.Gly815Glu)

Gene: ALPK3 (alpha kinase 3; plus strand). Cytogenetic location: 15q25.3.
Variant type: single nucleotide variant.
Coding change: c.2444G>A on transcript NM_020778.5 (MANE Select); coding-DNA position 2444, G replaced by A.
Protein change: p.Gly815Glu; replaces glycine 815 with glutamic acid.
Molecular consequence: missense variant.
Genome position (GRCh38, 1-based): chr15:84,857,182, G>A. VCF-style: chr15-84857182-G-A. GRCh37 (hg19) VCF-style: chr15-85400413-G-A.
Other names: short protein forms G1017E, G815E.
Identifiers: ClinVar variation 390153 (VCV000390153.13), dbSNP rs199907297, ClinGen allele CA7709415.

ClinVar aggregate classification (germline): Uncertain significance. Review status: criteria provided, multiple submitters, no conflicts (2 of 4 stars). 6 submissions from 6 submitters: Uncertain significance (4). 2 of the submissions do not count toward it. Last evaluated 2025-08-25.

Conditions:
ALPK3-related disorder. Also called: ALPK3-related condition.
Cardiovascular phenotype. Identifiers: MedGen CN230736.

Allele frequency attached by ClinVar (database versions not stated): gnomAD 0.00004; gnomAD exomes 0.00005 and 0.00006; TOPMed 0.00006; ExAC 0.00010; 1000 Genomes Project 30x 0.00016; 1000 Genomes Project 0.00020.
gnomAD v4.1: 77 of 1,613,992 alleles (0.0048%); highest among the groups gnomAD compares: Non-Finnish European, 0.0061%; no homozygotes.

Submissions (6):

Labcorp Genetics (formerly Invitae), Labcorp
Classification: Uncertain significance. Last evaluated: 2025-08-25. Review status: criteria provided, single submitter. Criteria: Invitae Variant Classification Sherloc (09022015). Collection method: clinical testing. Allele origin: germline.
Comment: This sequence change replaces glycine, which is neutral and non-polar, with glutamic acid, which is acidic and polar, at codon 1017 of the ALPK3 protein (p.Gly1017Glu). This variant is present in population databases (rs199907297, gnomAD 0.01%). This variant has not been reported in the literature in individuals affected with ALPK3-related conditions. ClinVar contains an entry for this variant (Variation ID: 390153). Invitae Evidence Modeling of protein sequence and biophysical properties (such as structural, functional, and spatial information, amino acid conservation, physicochemical variation, residue mobility, and thermodynamic stability) indicates that this missense variant is not expected to disrupt ALPK3 protein function with a negative predictive value of 80%. In summary, the available evidence is currently insufficient to determine the role of this variant in disease. Therefore, it has been classified as a Variant of Uncertain Significance.

PreventionGenetics, part of Exact Sciences
Classification: Uncertain significance for ALPK3-related condition. Last evaluated: 2025-08-16. Review status: criteria provided, single submitter. Criteria: ACMG Guidelines, 2015. Collection method: clinical testing. Allele origin: germline.
Comment: The ALPK3 c.3050G>A variant is predicted to result in the amino acid substitution p.Gly1017Glu. To our knowledge, this variant has not been reported in the literature. This variant is reported in 0.012% of alleles in individuals of European (Non-Finnish) descent in gnomAD. At this time, the clinical significance of this variant is uncertain due to the absence of conclusive functional and genetic evidence.

Ambry Genetics
Classification: Uncertain significance for Cardiovascular phenotype. Last evaluated: 2025-07-14. Review status: criteria provided, single submitter. Criteria: Ambry Variant Classification Scheme 2023. Collection method: clinical testing. Allele origin: germline.
Comment: The p.G1017E variant (also known as c.3050G>A), located in coding exon 6 of the ALPK3 gene, results from a G to A substitution at nucleotide position 3050. The glycine at codon 1017 is replaced by glutamic acid, an amino acid with similar properties. This amino acid position is not well conserved in available vertebrate species. In addition, this alteration is predicted to be tolerated by in silico analysis. Based on the available evidence, the clinical significance of this variant remains unclear.

GeneDx
Classification: Uncertain significance. Last evaluated: 2016-10-24. Review status: criteria provided, single submitter. Criteria: GeneDx Variant Classification (06012015). Collection method: clinical testing. Allele origin: germline. Affected: yes.
Comment: A variant of uncertain significance has been identified in the ALPK3 gene. The G1017E variant has not been published as a pathogenic variant, nor has it been reported as a benign variant to our knowledge. The G1017E variant was not observed in approximately 6500 individuals of European and African American ancestry in the NHLBI Exome Sequencing Project, indicating it is not a common benign variant in these populations. The G1017E variant is a non-conservative amino acid substitution, which is likely to impact secondary protein structure as these residues differ in polarity, charge, size and/or other properties. However, this substitution occurs at a position that is not conserved. Additionally, the majority of in silico algorithims (2 out of 3) predict this variant likely does not alter the protein structure/function.

Clinical Genetics DNA and cytogenetics Diagnostics Lab, Erasmus MC, Erasmus Medical Center
Classification: Uncertain significance. Review status: no assertion criteria provided. Collection method: clinical testing. Allele origin: germline. Affected: yes. Study: VKGL Data-share Consensus. Not counted in ClinVar's aggregate classification.

Genome Diagnostics Laboratory, University Medical Center Utrecht
Classification: Uncertain significance. Review status: no assertion criteria provided. Collection method: clinical testing. Allele origin: germline. Affected: yes. Study: VKGL Data-share Consensus. Not counted in ClinVar's aggregate classification.